The following is an entry in ClinVar:

ClinVar aggregate classification (germline): Uncertain significance (1 of 4 stars; one submission).

Allele frequency attached by ClinVar (database versions not stated): gnomAD exomes 0.00001.
gnomAD v4.1: 9 of 1,614,042 alleles (0.00056%); highest among the groups gnomAD compares: Middle Eastern, 0.016%; no homozygotes.

Submission:

Labcorp Genetics (formerly Invitae), Labcorp
Classification: Uncertain significance. Last evaluated: 2022-03-27. Review status: criteria provided, single submitter. Criteria: Invitae Variant Classification Sherloc (09022015). Collection method: clinical testing. Allele origin: germline.
Comment: This sequence change replaces arginine, which is basic and polar, with lysine, which is basic and polar, at codon 764 of the VCAN protein (p.Arg764Lys). This variant is not present in population databases (gnomAD no frequency). This variant has not been reported in the literature in individuals affected with VCAN-related conditions. Algorithms developed to predict the effect of missense changes on protein structure and function output the following: SIFT: "Tolerated"; PolyPhen-2: "Benign"; Align-GVGD: "Class C0". The lysine amino acid residue is found in multiple mammalian species, which suggests that this missense change does not adversely affect protein function. In summary, the available evidence is currently insufficient to determine the role of this variant in disease. Therefore, it has been classified as a Variant of Uncertain Significance.

NM_004385.5(VCAN):c.2291G>A (p.Arg764Lys)

Gene: VCAN (versican; plus strand). Cytogenetic location: 5q14.3.
Variant type: single nucleotide variant.
Coding change: c.2291G>A on transcript NM_004385.5 (MANE Select); coding-DNA position 2291, G replaced by A.
Protein change: p.Arg764Lys; replaces arginine 764 with lysine.
Molecular consequence: missense variant. On other transcripts: intron variant (2).
Genome position (GRCh38, 1-based): chr5:83,520,597, G>A. VCF-style: chr5-83520597-G-A. GRCh37 (hg19) VCF-style: chr5-82816416-G-A.
Other names: c.2291G>A, p.Arg764Lys (NM_001164098.2); c.1042+8201G>A (NM_001164097.2, NM_001126336.3); short protein forms R764K.
Identifiers: ClinVar variation 2085254 (VCV002085254.1), dbSNP rs1561244322, ClinGen allele CA360303611.